The following is an entry in ClinVar:

NM_017780.4(CHD7):c.5044del (p.His1682fs)

Gene: CHD7 (chromodomain helicase DNA binding protein 7; plus strand). Cytogenetic location: 8q12.2.
Variant type: Deletion.
Coding change: c.5044del on transcript NM_017780.4 (MANE Select); coding-DNA position 5044, one base deleted (C; older notation c.5044delC).
Protein change: p.His1682fs; shifts the reading frame from histidine 1682.
Molecular consequence: frameshift variant. On other transcripts: intron variant (1).
Genome position (GRCh38, 1-based): chr8:60,845,057, C deleted; the last of 2 consecutive C bases (chr8:60,845,056-60,845,057); deleting either gives the same sequence. VCF-style (leftmost placement, unchanged base first): chr8-60845055-AC-A. GRCh37 (hg19) VCF-style: chr8-61757614-AC-A.
Other names: c.5044del (LRG_176t1); c.1717-17172del (NM_001316690.1); short protein forms H1682fs.
Identifiers: ClinVar variation 503855 (VCV000503855.1), dbSNP rs1554602459, ClinGen allele CA658797106.

ClinVar aggregate classification (germline): Pathogenic (1 of 4 stars; one submission).

Submission:

GeneDx
Classification: Pathogenic. Last evaluated: 2017-11-20. Review status: criteria provided, single submitter. Criteria: GeneDx Variant Classification (06012015). Collection method: clinical testing. Allele origin: germline. Affected: yes.
Comment: The c.5044delC pathogenic variant in the CHD7 gene causes a frameshift starting with codon Histidine 1682, changes this amino acid to an Isoleucine residue and creates a premature Stop codon at position 17 of the new reading frame, denoted p.His1682IlefsX17. This pathogenic variant is predicted to cause loss of normal protein function either through protein truncation or nonsense-mediated mRNA decay. Furthermore, the c.5044delC variant is not observed in large population cohorts (Lek et al., 2016).